The following is an entry in ClinVar:

ClinVar aggregate classification (germline): Uncertain significance (1 of 4 stars; one submission).

Submission:

GeneDx
Classification: Uncertain significance. Last evaluated: 2022-09-09. Review status: criteria provided, single submitter. Criteria: GeneDx Variant Classification Process June 2021. Collection method: clinical testing. Allele origin: germline. Affected: yes.
Comment: Not observed at significant frequency in large population cohorts (gnomAD); In silico analysis supports that this missense variant has a deleterious effect on protein structure/function; Has not been previously published as pathogenic or benign to our knowledge

NM_016333.4(SRRM2):c.812C>G (p.Ser271Cys)

Gene: SRRM2 (serine/arginine repetitive matrix 2; plus strand). Cytogenetic location: 16p13.3.
Variant type: single nucleotide variant.
Coding change: c.812C>G on transcript NM_016333.4 (MANE Select); coding-DNA position 812, C replaced by G.
Protein change: p.Ser271Cys; replaces serine 271 with cysteine.
Molecular consequence: missense variant.
Genome position (GRCh38, 1-based): chr16:2,759,640, C>G. VCF-style: chr16-2759640-C-G. GRCh37 (hg19) VCF-style: chr16-2809641-C-G.
Other names: short protein forms S271C.
Identifiers: ClinVar variation 2443549 (VCV002443549.1), dbSNP rs868520558, ClinGen allele CA394406164.
Genomic context (GRCh38, chr16:2,759,640, plus strand): 5'-CAACACCAGCCCCCAAGAGCCGCCGGGCCCACCGTTCAACTTCTGCTGACTCTGCTTCCT[C>G]CTCCGATACTTCCCGCAGTCGGTAAGGGGTAGTCCAGGAGGAAGGGAGGGAGAGGGAATG-3'
Protein context (NP_057417.3, residues 261-281): HRSTSADSAS[Ser271Cys]SDTSRSRSRS